The following is an entry in ClinVar:

ClinVar aggregate classification (germline): Pathogenic/Likely pathogenic. Review status: criteria provided, multiple submitters, no conflicts (2 of 4 stars). 3 submissions from 3 submitters: Pathogenic (2); Likely pathogenic (1). Last evaluated 2023-07-07.

Conditions:
Familial thoracic aortic aneurysm and aortic dissection (TAAD). Also called: Thoracic aortic aneurysms and dissections. Identifiers: Orphanet 91387, MedGen C4707243, MONDO:0019625.
Marfan syndrome (MFS). Also called: Marfan syndrome type 1; Marfan syndrome, classic; Marfan's syndrome; FBN1-Related Marfan Syndrome; MARFAN SYNDROME, TYPE I. Identifiers: Orphanet 284963, Orphanet 558, MedGen C0024796, MONDO:0007947, OMIM 154700.

Submissions (3):

Labcorp Genetics (formerly Invitae), Labcorp
Classification: Pathogenic for Marfan syndrome; Familial thoracic aortic aneurysm and aortic dissection. Last evaluated: 2023-07-07. Review status: criteria provided, single submitter. Criteria: Invitae Variant Classification Sherloc (09022015). Collection method: clinical testing. Allele origin: germline.
Comment: Disruption of this splice site has been observed in individual(s) with clinical features of Marfan syndrome (PMID: 19159394, 25652356, 31098894). In at least one individual the variant was observed to be de novo. For these reasons, this variant has been classified as Pathogenic. Algorithms developed to predict the effect of sequence changes on RNA splicing suggest that this variant may disrupt the consensus splice site. ClinVar contains an entry for this variant (Variation ID: 547328). This variant is not present in population databases (gnomAD no frequency). This sequence change affects a donor splice site in intron 41 of the FBN1 gene. It is expected to disrupt RNA splicing. Variants that disrupt the donor or acceptor splice site typically lead to a loss of protein function (PMID: 16199547), and loss-of-function variants in FBN1 are known to be pathogenic (PMID: 17657824, 19293843).

GeneDx
Classification: Pathogenic. Last evaluated: 2022-08-10. Review status: criteria provided, single submitter. Criteria: GeneDx Variant Classification Process June 2021. Collection method: clinical testing. Allele origin: germline. Affected: yes.
Comment: Identified in patients with Marfan syndrome referred for genetic testing at GeneDx and in published literature (Li et al., 2019) and in a pediatric patient with a family history of Marfan syndrome (Baudhuin et al., 2015); Not observed at significant frequency in large population cohorts (gnomAD); Canonical splice site variant expected to result in aberrant splicing, although in the absence of functional evidence the actual effect of this sequence change is unknown; Deletions involving coding exons of this gene are a known mechanism of disease (HGMD); This variant is associated with the following publications: (PMID: 25652356, 31098894)

Center for Human Genetics, Inc
Classification: Likely pathogenic for Marfan syndrome. Last evaluated: 2016-11-01. Review status: criteria provided, single submitter. Criteria: ACMG Guidelines, 2015. Collection method: clinical testing. Allele origin: germline. Affected: yes.

Literature cited by the submitters: PubMed 19159394 (cited by Labcorp Genetics (formerly Invitae), Labcorp); PubMed 25652356 (cited by Labcorp Genetics (formerly Invitae), Labcorp); PubMed 31098894 (cited by Labcorp Genetics (formerly Invitae), Labcorp); PubMed 16199547 (cited by Labcorp Genetics (formerly Invitae), Labcorp); PubMed 17657824 (cited by Labcorp Genetics (formerly Invitae), Labcorp); PubMed 19293843 (cited by Labcorp Genetics (formerly Invitae), Labcorp).

NM_000138.5(FBN1):c.5065+1G>T

Gene: FBN1 (fibrillin 1; minus strand). Cytogenetic location: 15q21.1.
Variant type: single nucleotide variant.
Coding change: c.5065+1G>T on transcript NM_000138.5 (MANE Select); the canonical splice donor site of the intron after coding-DNA position 5065, G replaced by T.
Molecular consequence: splice donor variant.
Genome position (GRCh38, 1-based): chr15:48,463,898, C>A on the plus strand (G>T on the coding strand, the complement: FBN1 is on the minus strand). VCF-style: chr15-48463898-C-A. GRCh37 (hg19) VCF-style: chr15-48756095-C-A.
Other names: c.5065+1G>T (NM_001406716.1).
Identifiers: ClinVar variation 547328 (VCV000547328.6), dbSNP rs1296209846, ClinGen allele CA392349477.